The following is an entry in ClinVar:

NM_001967.4(EIF4A2):c.317T>C (p.Val106Ala)

Gene: EIF4A2 (eukaryotic translation initiation factor 4A2; plus strand). Cytogenetic location: 3q27.3.
Variant type: single nucleotide variant.
Coding change: c.317T>C on transcript NM_001967.4 (MANE Select); coding-DNA position 317, T replaced by C.
Protein change: p.Val106Ala; replaces valine 106 with alanine.
Molecular consequence: missense variant.
Genome position (GRCh38, 1-based): chr3:186,785,070, T>C. VCF-style: chr3-186785070-T-C. GRCh37 (hg19) VCF-style: chr3-186502859-T-C.
Other names: short protein forms V106A.
Identifiers: ClinVar variation 3600805 (VCV003600805.1).

ClinVar aggregate classification (germline): Uncertain significance (1 of 4 stars; one submission).

Submission:

GeneDx
Classification: Uncertain significance. Last evaluated: 2024-07-22. Review status: criteria provided, single submitter. Criteria: GeneDx Variant Classification Process June 2021. Collection method: clinical testing. Allele origin: germline. Affected: yes.
Comment: Not observed at significant frequency in large population cohorts (gnomAD); In silico analysis supports that this missense variant has a deleterious effect on protein structure/function; Has not been previously published as pathogenic or benign to our knowledge